The following is an entry in ClinVar:

ClinVar aggregate classification (germline): Likely pathogenic (1 of 4 stars; one submission).

Allele frequency attached by ClinVar (database versions not stated): ExAC 0.00001.

Submissions (2):

Labcorp Genetics (formerly Invitae), Labcorp
Classification: Likely pathogenic. Last evaluated: 2023-04-26. Review status: criteria provided, single submitter. Criteria: Invitae Variant Classification Sherloc (09022015). Collection method: clinical testing. Allele origin: germline.
Comment: This variant has not been reported in the literature in individuals affected with GFM1-related conditions. In summary, the currently available evidence indicates that the variant is pathogenic, but additional data are needed to prove that conclusively. Therefore, this variant has been classified as Likely Pathogenic. Algorithms developed to predict the effect of sequence changes on RNA splicing suggest that this variant may disrupt the consensus splice site. ClinVar contains an entry for this variant (Variation ID: 2148396). This variant is present in population databases (rs760290078, gnomAD 0.006%). This sequence change affects a donor splice site in intron 11 of the GFM1 gene. It is expected to disrupt RNA splicing. Variants that disrupt the donor or acceptor splice site typically lead to a loss of protein function (PMID: 16199547), and loss-of-function variants in GFM1 are known to be pathogenic (PMID: 16632485, 17160893).

Dr. Peter K. Rogan Lab, Western University
No classification provided (evidence only). Condition: Malignant tumor of urinary bladder. Review status: no classification provided. Collection method: in vitro. Allele origin: not applicable. Functional consequence: skipped exon. Not counted in ClinVar's aggregate classification.

Literature cited by the submitters: PubMed 16199547 (cited by Labcorp Genetics (formerly Invitae), Labcorp); PubMed 16632485 (cited by Labcorp Genetics (formerly Invitae), Labcorp); PubMed 17160893 (cited by Labcorp Genetics (formerly Invitae), Labcorp).

NM_024996.7(GFM1):c.1380+2T>G

Gene: GFM1 (G elongation factor mitochondrial 1; plus strand). Cytogenetic location: 3q25.32.
Variant type: single nucleotide variant.
Coding change: c.1380+2T>G on transcript NM_024996.7 (MANE Select); the canonical splice donor site of the intron after coding-DNA position 1380, T replaced by G.
Molecular consequence: splice donor variant.
Genome position (GRCh38, 1-based): chr3:158,662,686, T>G. VCF-style: chr3-158662686-T-G. GRCh37 (hg19) VCF-style: chr3-158380475-T-G.
Other names: c.1437+2T>G (NM_001308164.2); c.1155+2T>G (NM_001374357.1); c.1299+2T>G (NM_001374355.1); c.1263+2T>G (NM_001374356.1); c.813+2T>G (NM_001374359.1, NM_001374360.1); c.696+2T>G (NM_001374361.1); c.921+2T>G (NM_001374358.1); c.1380+2T>G (NM_001308166.2).
Identifiers: ClinVar variation 2148396 (VCV002148396.7), dbSNP rs760290078, ClinGen allele CA2682628.